The following is an entry in ClinVar:

ClinVar aggregate classification (germline): Pathogenic (1 of 4 stars; one submission).

Conditions:
Multiple acyl-CoA dehydrogenase deficiency (MADD). Also called: ETHYLMALONIC-ADIPICACIDURIA; GA II; Glutaric aciduria, type 2; Glutaric acidemia type II; GA 2; Glutaric Acidemia type 2. Identifiers: Orphanet 26791, MedGen C0268596, MONDO:0009282, OMIM 231680.

Submission:

Labcorp Genetics (formerly Invitae), Labcorp
Classification: Pathogenic for Multiple acyl-CoA dehydrogenase deficiency. Last evaluated: 2024-10-29. Review status: criteria provided, single submitter. Criteria: Invitae Variant Classification Sherloc (09022015). Collection method: clinical testing. Allele origin: germline.
Comment: This sequence change creates a premature translational stop signal (p.Ala125Asnfs*20) in the ETFA gene. It is expected to result in an absent or disrupted protein product. Loss-of-function variants in ETFA are known to be pathogenic (PMID: 16510302, 23785301). This variant is present in population databases (no rsID available, gnomAD 0.007%). This variant has not been reported in the literature in individuals affected with ETFA-related conditions. For these reasons, this variant has been classified as Pathogenic.

Literature cited by the submitters: PubMed 16510302; PubMed 23785301.

NM_000126.4(ETFA):c.373_376del (p.Ala125fs)

Gene: ETFA (electron transfer flavoprotein subunit alpha; minus strand). Cytogenetic location: 15q24.2.
Variant type: Deletion.
Coding change: c.373_376del on transcript NM_000126.4 (MANE Select); coding-DNA positions 373 to 376, 4 bases deleted (GCCA; older notation c.373_376delGCCA).
Protein change: p.Ala125fs; shifts the reading frame from alanine 125.
Molecular consequence: frameshift variant.
Genome position (GRCh38, 1-based): chr15:76,287,921-76,287,924, TGGC deleted on the plus strand (GCCA on the coding strand, the reverse complement: ETFA is on the minus strand); deleting any 4 consecutive bases within chr15:76,287,921-76,287,926 gives the same sequence; the c. name uses the placement nearest the transcript's 3' end. VCF-style (leftmost placement, unchanged base first): chr15-76287920-TTGGC-T. GRCh37 (hg19) VCF-style: chr15-76580261-TTGGC-T.
Other names: c.226_229del, p.Ala76fs (NM_001127716.2); short protein forms A125fs, A76fs.
Identifiers: ClinVar variation 3724067 (VCV003724067.2).